The following is an entry in ClinVar:

NM_000540.3(RYR1):c.13933C>T (p.Arg4645Trp)

Gene: RYR1 (ryanodine receptor 1; plus strand). Cytogenetic location: 19q13.2.
Variant type: single nucleotide variant.
Coding change: c.13933C>T on transcript NM_000540.3 (MANE Select); coding-DNA position 13933, C replaced by T.
Protein change: p.Arg4645Trp; replaces arginine 4645 with tryptophan.
Molecular consequence: missense variant.
Genome position (GRCh38, 1-based): chr19:38,572,205, C>T. VCF-style: chr19-38572205-C-T. GRCh37 (hg19) VCF-style: chr19-39062845-C-T.
Other names: c.13918C>T, p.Arg4640Trp (NM_001042723.2); short protein forms R4645W, R4640W.
Identifiers: ClinVar variation 478193 (VCV000478193.13), dbSNP rs377667641, ClinGen allele CA060666.

ClinVar aggregate classification (germline): Uncertain significance. Review status: criteria provided, multiple submitters, no conflicts (2 of 4 stars). 7 submissions from 7 submitters: Uncertain significance (7). Last evaluated 2026-05-11.

Conditions:
Congenital multicore myopathy with external ophthalmoplegia (CMYO1B). Also called: Minicore myopathy with external ophthalmoplegia; MULTIMINICORE DISEASE WITH EXTERNAL OPHTHALMOPLEGIA; MULTICORE MYOPATHY; Congenital myopathy 1B, autosomal recessive; Minicore myopathy. Identifiers: Orphanet 598, Orphanet 98905, MedGen C1850674, MONDO:0009712, OMIM 255320, HP:0003789.
Central core myopathy (CMYO1A). Also called: Central core disease; Myopathy, central fibrillar; CONGENITAL MYOPATHY 1A, AUTOSOMAL DOMINANT, WITH SUSCEPTIBILITY TO MALIGNANT HYPERTHERMIA. Identifiers: Orphanet 597, MedGen C5830701, MONDO:0007294, OMIM 117000.
Malignant hyperthermia, susceptibility to, 1 (MHS1). Also called: RYR1-Related Malignant Hyperthermia Susceptibility; Anesthesia related hyperthermia; Malignant hyperpyrexia; Fulminating hyperpyrexia; Pharmacogenic myopathy; Malignant hyperthermia suceptibility 1. Identifiers: Orphanet 423, MedGen C2930980, MONDO:0007783, OMIM 145600.
Congenital myopathy with fiber type disproportion. Also called: Congenital fiber-type disproportion myopathy; Congenital fiber-type disproportion. Identifiers: Orphanet 2020, MedGen C0546264, MONDO:0009711. Inheritance: all.
King Denborough syndrome (KDS). Identifiers: MedGen C1840365, MONDO:0020485, OMIM 619542.
RYR1-related disorder. Also called: RYR1-related disorders; RYR1-related condition. Identifiers: MedGen CN239331.

Allele frequency attached by ClinVar (database versions not stated): gnomAD 0.00002; TOPMed 0.00003; gnomAD exomes 0.00004 and 0.00005; ExAC 0.00005; ESP Exome Variant Server 0.00008.

Submissions (7):

Women's Health and Genetics/Laboratory Corporation of America, LabCorp
Classification: Uncertain significance. Last evaluated: 2026-05-11. Review status: criteria provided, single submitter. Criteria: LabCorp Variant Classification Summary - May 2015. Collection method: clinical testing. Allele origin: germline.
Comment: Variant summary: RYR1 c.13933C>T (p.Arg4645Trp) results in a non-conservative amino acid change in the encoded protein sequence. Algorithms developed to predict the effect of missense changes on protein structure and function are either unavailable or do not agree on the potential impact of this missense change. The variant allele was found at a frequency of 4.8e-05 in 251470 control chromosomes. This frequency is not significantly higher than estimated for disease-causing variants in RYR1, allowing no conclusion about variant significance. To our knowledge, no occurrence of c.13933C>T in individuals affected with RYR1-related conditions and no experimental evidence demonstrating its impact on protein function have been reported. ClinVar contains an entry for this variant (Variation ID: 478193). Based on the evidence outlined above, the variant was classified as uncertain significance.

Labcorp Genetics (formerly Invitae), Labcorp
Classification: Uncertain significance for RYR1-related disorder. Last evaluated: 2025-07-10. Review status: criteria provided, single submitter. Criteria: Invitae Variant Classification Sherloc (09022015). Collection method: clinical testing. Allele origin: germline.
Comment: This sequence change replaces arginine, which is basic and polar, with tryptophan, which is neutral and slightly polar, at codon 4645 of the RYR1 protein (p.Arg4645Trp). This variant is present in population databases (rs377667641, gnomAD 0.03%). This variant has not been reported in the literature in individuals affected with RYR1-related conditions. ClinVar contains an entry for this variant (Variation ID: 478193). Invitae Evidence Modeling of protein sequence and biophysical properties (such as structural, functional, and spatial information, amino acid conservation, physicochemical variation, residue mobility, and thermodynamic stability) indicates that this missense variant is not expected to disrupt RYR1 protein function with a negative predictive value of 80%. In summary, the available evidence is currently insufficient to determine the role of this variant in disease. Therefore, it has been classified as a Variant of Uncertain Significance.

Color Diagnostics, LLC DBA Color Health
Classification: Uncertain significance for Malignant hyperthermia, susceptibility to, 1. Last evaluated: 2024-03-06. Review status: criteria provided, single submitter. Criteria: ACMG Guidelines, 2015. Collection method: clinical testing. Allele origin: germline.
Comment: This missense variant replaces arginine with tryptophan at codon 4645 of the RYR1 protein. Computational prediction is inconclusive regarding the impact of this variant on protein structure and function. To our knowledge, functional studies have not been reported for this variant. This variant has not been reported in individuals affected with RYR1-related disorders in the literature. This variant has been identified in 13/282798 chromosomes in the general population by the Genome Aggregation Database (gnomAD). The available evidence is insufficient to determine the role of this variant in disease conclusively. Therefore, this variant is classified as a Variant of Uncertain Significance.

All of Us Research Program, National Institutes of Health
Classification: Uncertain significance for Malignant hyperthermia, susceptibility to, 1. Last evaluated: 2023-11-30. Review status: criteria provided, single submitter. Criteria: ACMG Guidelines, 2015. Collection method: clinical testing. Allele origin: germline. Inheritance: Autosomal dominant inheritance. Observed: 14 variant alleles, 14 heterozygotes.
Comment: This missense variant replaces arginine with tryptophan at codon 4645 of the RYR1 protein. Computational prediction is inconclusive regarding the impact of this variant on protein structure and function (internally defined REVEL score threshold 0.5 < inconclusive < 0.7, PMID: 27666373). To our knowledge, functional studies have not been reported for this variant. This variant has not been reported in individuals affected with RYR1-related disorders in the literature. This variant has been identified in 13/282798 chromosomes in the general population by the Genome Aggregation Database (gnomAD). The available evidence is insufficient to determine the role of this variant in disease conclusively. Therefore, this variant is classified as a Variant of Uncertain Significance.

This study involves interpretation of variants in research participants for the purpose of population health screening. Participant phenotype was not available at the time of variant classification. Additional details can be found in publication PMID: 35346344, PMCID: PMC8962531

Fulgent Genetics
Classification: Uncertain significance for Central core myopathy; Malignant hyperthermia, susceptibility to, 1; Congenital myopathy 4A, autosomal dominant; Congenital multicore myopathy with external ophthalmoplegia; King Denborough syndrome. Last evaluated: 2021-08-02. Review status: criteria provided, single submitter. Criteria: ACMG Guidelines, 2015. Collection method: clinical testing. Allele origin: unknown.

Blueprint Genetics
Classification: Uncertain significance. Last evaluated: 2020-12-31. Review status: criteria provided, single submitter. Criteria: ACMG Guidelines, 2015. Collection method: clinical testing. Allele origin: germline.

Revvity Omics, Revvity
Classification: Uncertain significance. Last evaluated: 2020-03-06. Review status: criteria provided, single submitter. Criteria: ACMG Guidelines, 2015. Collection method: clinical testing. Allele origin: germline.